The following is an entry in ClinVar:

ClinVar aggregate classification (germline): Uncertain significance (1 of 4 stars; one submission).

gnomAD v4.1: 6 of 1,614,132 alleles (0.00037%); highest among the groups gnomAD compares: Non-Finnish European, 0.00042%; no homozygotes.

Submission:

Labcorp Genetics (formerly Invitae), Labcorp
Classification: Uncertain significance. Last evaluated: 2025-12-19. Review status: criteria provided, single submitter. Criteria: Invitae Variant Classification Sherloc (09022015). Collection method: clinical testing. Allele origin: germline.
Comment: This sequence change replaces proline, which is neutral and non-polar, with glutamine, which is neutral and polar, at codon 179 of the ACTN4 protein (p.Pro179Gln). This variant is present in population databases (rs149027682, gnomAD 0.0009%). This variant has not been reported in the literature in individuals affected with ACTN4-related conditions. Invitae Evidence Modeling of protein sequence and biophysical properties (such as structural, functional, and spatial information, amino acid conservation, physicochemical variation, residue mobility, and thermodynamic stability) indicates that this missense variant is expected to disrupt ACTN4 protein function with a positive predictive value of 80%. In summary, the available evidence is currently insufficient to determine the role of this variant in disease. Therefore, it has been classified as a Variant of Uncertain Significance.

NM_004924.6(ACTN4):c.536C>A (p.Pro179Gln)

Gene: ACTN4 (actinin alpha 4; plus strand). Cytogenetic location: 19q13.2.
Variant type: single nucleotide variant.
Coding change: c.536C>A on transcript NM_004924.6 (MANE Select); coding-DNA position 536, C replaced by A.
Protein change: p.Pro179Gln; replaces proline 179 with glutamine.
Molecular consequence: missense variant.
Genome position (GRCh38, 1-based): chr19:38,706,095, C>A. VCF-style: chr19-38706095-C-A. GRCh37 (hg19) VCF-style: chr19-39196735-C-A.
Other names: c.536C>A, p.Pro179Gln (NM_001322033.2, NM_001411143.1, NM_001440296.1 and 2 more transcripts); c.284C>A, p.Pro95Gln (NM_001440299.1); short protein forms P179Q, P95Q.
Identifiers: ClinVar variation 4811636 (VCV004811636.1).